The following is an entry in ClinVar:

ClinVar aggregate classification (germline): Benign. Review status: criteria provided, multiple submitters, no conflicts (2 of 4 stars). 2 submissions from 2 submitters: Benign (2). Last evaluated 2018-01-13.

Conditions:
Chondrodysplasia with joint dislocations, gPAPP type. Also called: GPAPP DEFICIENCY. Identifiers: Orphanet 280586, MedGen C3279757, MONDO:0013561, OMIM 614078.

Allele frequency attached by ClinVar (database versions not stated): gnomAD 0.12312 and 0.12370; TOPMed 0.13091; 1000 Genomes Project 0.15196; 1000 Genomes Project 30x 0.15443.

Submissions (2):

Illumina Laboratory Services, Illumina
Classification: Benign for Chondrodysplasia with joint dislocations, gPAPP type. Last evaluated: 2018-01-13. Review status: criteria provided, single submitter. Criteria: ICSL Variant Classification Criteria 13 December 2019. Collection method: clinical testing. Allele origin: germline.
Comment: This variant was observed in the ICSL laboratory as part of a predisposition screen in an ostensibly healthy population. It had not been previously curated by ICSL or reported in the Human Gene Mutation Database (HGMD: prior to June 1st, 2018), and was therefore a candidate for classification through an automated scoring system. Utilizing variant allele frequency, disease prevalence and penetrance estimates, and inheritance mode, an automated score was calculated to assess if this variant is too frequent to cause the disease. Based on the score and internal cut-off values, a variant classified as benign is not then subjected to further curation. The score for this variant resulted in a classification of benign for this disease.

Breakthrough Genomics
Classification: Benign. Review status: criteria provided, single submitter. Criteria: ACMG Guidelines, 2015. Collection method: not provided. Allele origin: germline. Inheritance: Autosomal recessive inheritance. Affected: yes.

NM_017813.5(BPNT2):c.*764C>T

Gene: BPNT2 (3'(2'), 5'-bisphosphate nucleotidase 2; minus strand). Cytogenetic location: 8q12.1.
Variant type: single nucleotide variant.
Coding change: c.*764C>T on transcript NM_017813.5 (MANE Select); 764 bases downstream of the stop codon, C replaced by T.
Molecular consequence: 3 prime UTR variant.
Genome position (GRCh38, 1-based): chr8:56,963,029, G>A on the plus strand (C>T on the coding strand, the complement: BPNT2 is on the minus strand). VCF-style: chr8-56963029-G-A. GRCh37 (hg19) VCF-style: chr8-57875588-G-A.
Identifiers: ClinVar variation 363392 (VCV000363392.6), dbSNP rs10003, ClinGen allele CA10628044.
Genomic context (GRCh38, chr8:56,963,029, plus strand): 5'-GCTAACCCTGAAACCTTAAACCGAACCTTACAAAGTTAAAGACTAAGTGTTGGTCAGAAG[G>A]AAAAGGATGCAACCATGCATCTTCCACAGGGAAAATGAAAATAGCAAGATGGCAGAAATG-3'